The following is an entry in ClinVar:

NM_000553.6(WRN):c.575A>G (p.Asp192Gly)

Gene: WRN (WRN RecQ like helicase; plus strand). Cytogenetic location: 8p12.
Variant type: single nucleotide variant.
Coding change: c.575A>G on transcript NM_000553.6 (MANE Select); coding-DNA position 575, A replaced by G.
Protein change: p.Asp192Gly; replaces aspartic acid 192 with glycine.
Molecular consequence: missense variant.
Genome position (GRCh38, 1-based): chr8:31,067,103, A>G. VCF-style: chr8-31067103-A-G. GRCh37 (hg19) VCF-style: chr8-30924619-A-G.
Other names: short protein forms D192G.
Identifiers: ClinVar variation 2133959 (VCV002133959.4), dbSNP rs760829035, ClinGen allele CA4704103.

ClinVar aggregate classification (germline): Uncertain significance (1 of 4 stars; one submission).

Conditions:
Werner syndrome (WRN). Identifiers: Orphanet 902, MedGen C0043119, MONDO:0010196, OMIM 277700.

Allele frequency attached by ClinVar (database versions not stated): ExAC 0.00001.
gnomAD v4.1: 3 of 1,614,032 alleles (0.00019%); highest among the groups gnomAD compares: Admixed American, 0.0033%; no homozygotes.

Submission:

Labcorp Genetics (formerly Invitae), Labcorp
Classification: Uncertain significance for Werner syndrome. Last evaluated: 2024-04-15. Review status: criteria provided, single submitter. Criteria: Invitae Variant Classification Sherloc (09022015). Collection method: clinical testing. Allele origin: germline.
Comment: This sequence change replaces aspartic acid, which is acidic and polar, with glycine, which is neutral and non-polar, at codon 192 of the WRN protein (p.Asp192Gly). This variant is present in population databases (rs760829035, gnomAD 0.006%). This variant has not been reported in the literature in individuals affected with WRN-related conditions. ClinVar contains an entry for this variant (Variation ID: 2133959). An algorithm developed to predict the effect of missense changes on protein structure and function (PolyPhen-2) suggests that this variant is likely to be disruptive. In summary, the available evidence is currently insufficient to determine the role of this variant in disease. Therefore, it has been classified as a Variant of Uncertain Significance.